The following is an entry in ClinVar:

NM_144997.7(FLCN):c.1281C>T (p.Pro427=)

Gene: FLCN (folliculin; minus strand). Cytogenetic location: 17p11.2.
Variant type: single nucleotide variant.
Coding change: c.1281C>T on transcript NM_144997.7 (MANE Select); coding-DNA position 1281, C replaced by T.
Protein change: p.Pro427=; no amino-acid change (proline 427 retained).
Molecular consequence: synonymous variant.
Genome position (GRCh38, 1-based): chr17:17,216,399, G>A on the plus strand (C>T on the coding strand, the complement: FLCN is on the minus strand). VCF-style: chr17-17216399-G-A. GRCh37 (hg19) VCF-style: chr17-17119713-G-A.
Other names: c.1281C>T (LRG_325t1); c.1335C>T, p.Pro445= (NM_001353229.2); c.1281C>T, p.Pro427= (NM_001353230.2, NM_001353231.2).
Identifiers: ClinVar variation 460587 (VCV000460587.16), dbSNP rs372207262, ClinGen allele CA498163243.
Genomic context (GRCh38, chr17:17,216,399, plus strand): 5'-TCAGCGCAGGGCATGGCCCCACAGCCCGCGGGGGCACGCACCTGAGGAGAGCACGTGGGG[G>A]GGGATCTGCACGTGCGGGCTGAGCCCCAGGAAGTTGCACCGATAGGCCTCCTCGTACTGG-3'
Protein context (NP_659434.2, residues 417-437): FLGLSPHVQI[Pro427=]PHVLSSEFAV

ClinVar aggregate classification (germline): Benign/Likely benign. Review status: criteria provided, multiple submitters, no conflicts (2 of 4 stars). 3 submissions from 3 submitters: Benign (1); Likely benign (2). Last evaluated 2026-01-11.

Conditions:
Birt-Hogg-Dube syndrome 1 (BHD1). Also called: FIBROFOLLICULOMAS WITH TRICHODISCOMAS AND ACROCHORDONS. Identifiers: Orphanet 122, MedGen CN375946, MONDO:0800445, OMIM 135150.
Hereditary cancer-predisposing syndrome. Also called: Hereditary neoplastic syndrome; Neoplastic Syndromes, Hereditary; Tumor predisposition; Hereditary Cancer Syndrome. Identifiers: Orphanet 140162, MedGen C0027672, MeSH D009386, MONDO:0015356.
Birt-Hogg-Dube syndrome. Also called: Birt Hogg Dubé syndrome. Identifiers: Orphanet 122, MedGen C0346010, MONDO:0800444.

gnomAD v4.1: 1 of 1,613,622 alleles (0.000062%); highest among the groups gnomAD compares: Admixed American, 0.0017%; no homozygotes.

Submissions (3):

Labcorp Genetics (formerly Invitae), Labcorp
Classification: Likely benign for Birt-Hogg-Dube syndrome. Last evaluated: 2026-01-11. Review status: criteria provided, single submitter. Criteria: Invitae Variant Classification Sherloc (09022015). Collection method: clinical testing. Allele origin: germline.

Myriad Genetics, Inc.
Classification: Benign for Birt-Hogg-Dube syndrome 1. Last evaluated: 2024-10-24. Review status: criteria provided, single submitter. Criteria: Myriad Autosomal Dominant, Autosomal Recessive and X-Linked Classification Criteria (2023). Collection method: clinical testing. Allele origin: unknown.
Comment: This variant is considered benign. This variant is a silent/synonymous amino acid change and it is not expected to impact splicing.

Ambry Genetics
Classification: Likely benign for Hereditary cancer-predisposing syndrome. Last evaluated: 2018-09-27. Review status: criteria provided, single submitter. Criteria: Ambry Variant Classification Scheme 2023. Collection method: clinical testing. Allele origin: germline.